The following is an entry in ClinVar:

NM_006031.6(PCNT):c.6032C>T (p.Ala2011Val)

Gene: PCNT (pericentrin; plus strand). Cytogenetic location: 21q22.3.
Variant type: single nucleotide variant.
Coding change: c.6032C>T on transcript NM_006031.6 (MANE Select); coding-DNA position 6032, C replaced by T.
Protein change: p.Ala2011Val; replaces alanine 2011 with valine.
Molecular consequence: missense variant.
Genome position (GRCh38, 1-based): chr21:46,412,874, C>T. VCF-style: chr21-46412874-C-T. GRCh37 (hg19) VCF-style: chr21-47832788-C-T.
Other names: c.5678C>T, p.Ala1893Val (NM_001315529.2); short protein forms A2011V, A1893V.
Identifiers: ClinVar variation 340512 (VCV000340512.14), dbSNP rs145119952, ClinGen allele CA10080178.

ClinVar aggregate classification (germline): Conflicting classifications of pathogenicity. Review status: criteria provided, conflicting classifications (1 of 4 stars). 5 submissions from 5 submitters: Uncertain significance (1); Likely benign (2). 2 of the submissions do not count toward it. Last evaluated 2024-09-26.

Conditions:
Microcephalic osteodysplastic primordial dwarfism type II (MOPD2). Also called: Microcephalic osteodysplastic primordial dwarfism with tooth abnormalities; MOPD II; OSTEODYSPLASTIC PRIMORDIAL DWARFISM, TYPE II. Identifiers: Orphanet 2637, MedGen C0432246, MONDO:0008872, OMIM 210720.
Microcephaly. Also called: Microcephaly (disease). Identifiers: MedGen C4551563, MONDO:0001149, HP:0000252.
PCNT-related disorder. Also called: PCNT-related condition.

Allele frequency attached by ClinVar (database versions not stated): TOPMed 0.00003; ExAC 0.00019; 1000 Genomes Project 30x 0.00078; 1000 Genomes Project 0.00100; gnomAD 0.00004 and 0.00011; gnomAD exomes 0.00017.
gnomAD v4.1: 324 of 1,612,646 alleles (0.02%); highest among the groups gnomAD compares: East Asian, 0.71%; 3 homozygotes.

Submissions (5):

Labcorp Genetics (formerly Invitae), Labcorp
Classification: Likely benign. Last evaluated: 2024-09-26. Review status: criteria provided, single submitter. Criteria: Invitae Variant Classification Sherloc (09022015). Collection method: clinical testing. Allele origin: germline.

GeneDx
Classification: Likely benign. Last evaluated: 2019-07-25. Review status: criteria provided, single submitter. Criteria: GeneDx Variant Classification Process June 2021. Collection method: clinical testing. Allele origin: germline. Affected: yes.

Illumina Laboratory Services, Illumina
Classification: Uncertain significance for Microcephalic osteodysplastic primordial dwarfism type II. Last evaluated: 2018-01-13. Review status: criteria provided, single submitter. Criteria: ICSL Variant Classification Criteria 13 December 2019. Collection method: clinical testing. Allele origin: germline.

PreventionGenetics, part of Exact Sciences
Classification: Likely benign for PCNT-related condition. Last evaluated: 2022-07-28. Review status: no assertion criteria provided. Collection method: clinical testing. Allele origin: germline. Not counted in ClinVar's aggregate classification.
Comment: This variant is classified as likely benign based on ACMG/AMP sequence variant interpretation guidelines (Richards et al. 2015 PMID: 25741868, with internal and published modifications).

Department of Pediatrics, Samsung Medical Center, Samsung Medical Center
Classification: Uncertain significance for Microcephaly. Review status: no assertion criteria provided. Criteria: ACMG Guidelines, 2015. Collection method: research. Allele origin: germline. Affected: yes. Not counted in ClinVar's aggregate classification.